The following is an entry in ClinVar:

NM_001080508.3(TBX18):c.1387A>G (p.Ser463Gly)

Gene: TBX18 (T-box transcription factor 18; minus strand). Cytogenetic location: 6q14.3.
Variant type: single nucleotide variant.
Coding change: c.1387A>G on transcript NM_001080508.3 (MANE Select); coding-DNA position 1387, A replaced by G.
Protein change: p.Ser463Gly; replaces serine 463 with glycine.
Molecular consequence: missense variant.
Genome position (GRCh38, 1-based): chr6:84,737,122, T>C on the plus strand (A>G on the coding strand, the complement: TBX18 is on the minus strand). VCF-style: chr6-84737122-T-C. GRCh37 (hg19) VCF-style: chr6-85446840-T-C.
Other names: c.1387A>G (NM_001080508.1); short protein forms S463G.
Identifiers: ClinVar variation 1448017 (VCV001448017.7), dbSNP rs1461362886, ClinGen allele CA364894620.

ClinVar aggregate classification (germline): Uncertain significance. Review status: criteria provided, multiple submitters, no conflicts (2 of 4 stars). 2 submissions from 2 submitters: Uncertain significance (2). Last evaluated 2025-03-03.

Conditions:
Inborn genetic diseases. Identifiers: MedGen C0950123, MeSH D030342.

Allele frequency attached by ClinVar (database versions not stated): TOPMed below 0.00001; gnomAD exomes 0.00001.
gnomAD v4.1: 9 of 1,614,204 alleles (0.00056%); highest among the groups gnomAD compares: Non-Finnish European, 0.00076%; no homozygotes.

Submissions (2):

Ambry Genetics
Classification: Uncertain significance for Inborn genetic diseases. Last evaluated: 2025-03-03. Review status: criteria provided, single submitter. Criteria: Ambry Variant Classification Scheme 2023. Collection method: clinical testing. Allele origin: germline.

Labcorp Genetics (formerly Invitae), Labcorp
Classification: Uncertain significance. Last evaluated: 2021-08-31. Review status: criteria provided, single submitter. Criteria: Invitae Variant Classification Sherloc (09022015). Collection method: clinical testing. Allele origin: germline.
Comment: In summary, the available evidence is currently insufficient to determine the role of this variant in disease. Therefore, it has been classified as a Variant of Uncertain Significance. Algorithms developed to predict the effect of missense changes on protein structure and function output the following: SIFT: "Tolerated"; PolyPhen-2: "Benign"; Align-GVGD: "Class C0". The glycine amino acid residue is found in multiple mammalian species, which suggests that this missense change does not adversely affect protein function. This variant has not been reported in the literature in individuals affected with TBX18-related conditions. This variant is not present in population databases (ExAC no frequency). This sequence change replaces serine with glycine at codon 463 of the TBX18 protein (p.Ser463Gly). The serine residue is moderately conserved and there is a small physicochemical difference between serine and glycine.